The following is an entry in ClinVar:

ClinVar aggregate classification (germline): Uncertain significance (1 of 4 stars; one submission).

gnomAD v4.1: 5 of 1,613,896 alleles (0.00031%); highest among the groups gnomAD compares: East Asian, 0.0089%; no homozygotes.

Submission:

Labcorp Genetics (formerly Invitae), Labcorp
Classification: Uncertain significance. Last evaluated: 2024-04-25. Review status: criteria provided, single submitter. Criteria: Invitae Variant Classification Sherloc (09022015). Collection method: clinical testing. Allele origin: germline.
Comment: This sequence change replaces glutamine, which is neutral and polar, with proline, which is neutral and non-polar, at codon 536 of the ZBTB20 protein (p.Gln536Pro). The frequency data for this variant in the population databases is considered unreliable, as metrics indicate poor data quality at this position in the gnomAD database. This variant has not been reported in the literature in individuals affected with ZBTB20-related conditions. Advanced modeling of protein sequence and biophysical properties (such as structural, functional, and spatial information, amino acid conservation, physicochemical variation, residue mobility, and thermodynamic stability) has been performed at Invitae for this missense variant, however the output from this modeling did not meet the statistical confidence thresholds required to predict the impact of this variant on ZBTB20 protein function. In summary, the available evidence is currently insufficient to determine the role of this variant in disease. Therefore, it has been classified as a Variant of Uncertain Significance.

NM_001348800.3(ZBTB20):c.1607A>C (p.Gln536Pro)

Gene: ZBTB20 (zinc finger and BTB domain containing 20; minus strand). Cytogenetic location: 3q13.31.
Variant type: single nucleotide variant.
Coding change: c.1607A>C on transcript NM_001348800.3 (MANE Select); coding-DNA position 1607, A replaced by C.
Protein change: p.Gln536Pro; replaces glutamine 536 with proline.
Molecular consequence: missense variant.
Genome position (GRCh38, 1-based): chr3:114,350,471, T>G on the plus strand (A>C on the coding strand, the complement: ZBTB20 is on the minus strand). VCF-style: chr3-114350471-T-G. GRCh37 (hg19) VCF-style: chr3-114069318-T-G.
Other names: c.1607A>C, p.Gln536Pro (NM_001164342.2, NM_001348803.3, NM_001393393.1 and 1 more transcripts); c.1388A>C, p.Gln463Pro (NM_001164343.2, NM_001164344.4, NM_001164345.4 and 9 more transcripts); short protein forms Q536P, Q463P.
Identifiers: ClinVar variation 3708373 (VCV003708373.2).
Genomic context (GRCh38, chr3:114,350,471, plus strand): 5'-GCTGGCAGCTGTGCAGTAAAGGTCGACAGACCGGGCTGGGACACTGTCACAAACTGGGTC[T>G]GCTGGCCTGCCAGGGGCTGTGGCAGGCTGAAGAGGAAAGGCTTGGGGCCACTGCCCGCGG-3'
Protein context (NP_001335729.1, residues 526-546): FSLPQPLAGQ[Gln536Pro]TQFVTVSQPG